The following is an entry in ClinVar:

NM_000208.4(INSR):c.*3359G>A

Gene: INSR (insulin receptor; minus strand). Cytogenetic location: 19p13.2.
Variant type: single nucleotide variant.
Coding change: c.*3359G>A on transcript NM_000208.4 (MANE Select); 3359 bases downstream of the stop codon, G replaced by A.
Molecular consequence: 3 prime UTR variant.
Genome position (GRCh38, 1-based): chr19:7,113,697, C>T on the plus strand (G>A on the coding strand, the complement: INSR is on the minus strand). VCF-style: chr19-7113697-C-T. GRCh37 (hg19) VCF-style: chr19-7113708-C-T.
Other names: c.*3359G>A (NM_001079817.3).
Identifiers: ClinVar variation 330369 (VCV000330369.6), dbSNP rs146249924, ClinGen allele CA10652835.

ClinVar aggregate classification (germline): Likely benign. Review status: criteria provided, multiple submitters, no conflicts (2 of 4 stars). 4 submissions from 2 submitters: Likely benign (4). Last evaluated 2018-01-12.

Conditions:
Rabson-Mendenhall syndrome. Also called: MENDENHALL SYNDROME; Pineal Hyperplasia, Insulin-Resistant Diabetes Mellitus, and Somatic Abnormalities; Pineal hyperplasia AND diabetes mellitus syndrome. Identifiers: Orphanet 769, MedGen C0271695, MONDO:0009874, OMIM 262190.
Leprechaunism syndrome. Also called: Donohue syndrome; LEPRECHAUNISM. Identifiers: Orphanet 508, MedGen C0265344, MONDO:0009517, OMIM 246200.
Insulin-resistant diabetes mellitus AND acanthosis nigricans. Also called: Insulin-resistance syndrome type A; INSULIN RECEPTOR, DEFECT IN, WITH INSULIN-RESISTANT DIABETES MELLITUS AND ACANTHOSIS NIGRICANS; IRAN, TYPE A; type A insulin resistance; DIABETES MELLITUS, INSULIN-RESISTANT, WITH ACANTHOSIS NIGRICANS, TYPE A. Identifiers: Orphanet 2297, MedGen C0342278, MONDO:0012520, OMIM 610549.

Allele frequency attached by ClinVar (database versions not stated): gnomAD 0.00038; TOPMed 0.00083; 1000 Genomes Project 30x 0.00265; 1000 Genomes Project 0.00280.

Submissions (4):

Illumina Laboratory Services, Illumina
Classification: Likely benign for Insulin-resistant diabetes mellitus AND acanthosis nigricans. Last evaluated: 2018-01-12. Review status: criteria provided, single submitter. Criteria: ICSL Variant Classification Criteria 13 December 2019. Collection method: clinical testing. Allele origin: germline.
Comment: This variant was observed in the ICSL laboratory as part of a predisposition screen in an ostensibly healthy population. It had not been previously curated by ICSL or reported in the Human Gene Mutation Database (HGMD: prior to June 1st, 2018), and was therefore a candidate for classification through an automated scoring system. Utilizing variant allele frequency, disease prevalence and penetrance estimates, and inheritance mode, an automated score was calculated to assess if this variant is too frequent to cause the disease. Based on the score and internal cut-off values, a variant classified as likely benign is not then subjected to further curation. The score for this variant resulted in a classification of likely benign for this disease.

Illumina Laboratory Services, Illumina
Classification: Likely benign for Rabson-Mendenhall syndrome. Last evaluated: 2018-01-12. Review status: criteria provided, single submitter. Criteria: ICSL Variant Classification Criteria 13 December 2019. Collection method: clinical testing. Allele origin: germline.
Comment: the same text as in the submission from Illumina Laboratory Services, Illumina above.

Illumina Laboratory Services, Illumina
Classification: Likely benign for Leprechaunism syndrome. Last evaluated: 2018-01-12. Review status: criteria provided, single submitter. Criteria: ICSL Variant Classification Criteria 13 December 2019. Collection method: clinical testing. Allele origin: germline.
Comment: the same text as in the submission from Illumina Laboratory Services, Illumina above.

Breakthrough Genomics
Classification: Likely benign. Review status: criteria provided, single submitter. Criteria: ACMG Guidelines, 2015. Collection method: not provided. Allele origin: germline. Inheritance: Autosomal recessive inheritance. Affected: yes.